The following is an entry in ClinVar:

NM_001040142.2(SCN2A):c.4453G>C (p.Gly1485Arg)

Gene: SCN2A (sodium voltage-gated channel alpha subunit 2; plus strand). Cytogenetic location: 2q24.3.
Variant type: single nucleotide variant.
Coding change: c.4453G>C on transcript NM_001040142.2 (MANE Select); coding-DNA position 4453, G replaced by C.
Protein change: p.Gly1485Arg; replaces glycine 1485 with arginine.
Molecular consequence: missense variant.
Genome position (GRCh38, 1-based): chr2:165,381,099, G>C. VCF-style: chr2-165381099-G-C. GRCh37 (hg19) VCF-style: chr2-166237609-G-C.
Other names: c.4453G>C, p.Gly1485Arg (NM_001040143.2, NM_001371246.1, NM_001371247.1 and 1 more transcripts); short protein forms G1485R.
Identifiers: ClinVar variation 2948552 (VCV002948552.3), dbSNP rs1701578958, ClinGen allele CA349034519.

ClinVar aggregate classification (germline): Uncertain significance (1 of 4 stars; one submission).

Conditions:
Seizures, benign familial infantile, 3 (BFIS3). Also called: CONVULSIONS, BENIGN FAMILIAL INFANTILE, 3; Familial neonatal seizures. Identifiers: Orphanet 140927, Orphanet 306, MedGen C1843140, MONDO:0011904, OMIM 607745.
Developmental and epileptic encephalopathy, 11 (DEE11). Also called: Early infantile epileptic encephalopathy 11. Identifiers: Orphanet 1934, MedGen C3150987, MONDO:0013388, OMIM 613721.

Submission:

Labcorp Genetics (formerly Invitae), Labcorp
Classification: Uncertain significance for Seizures, benign familial infantile, 3; Developmental and epileptic encephalopathy, 11. Last evaluated: 2023-06-04. Review status: criteria provided, single submitter. Criteria: Invitae Variant Classification Sherloc (09022015). Collection method: clinical testing. Allele origin: germline.
Comment: In summary, the available evidence is currently insufficient to determine the role of this variant in disease. Therefore, it has been classified as a Variant of Uncertain Significance. Algorithms developed to predict the effect of sequence changes on RNA splicing suggest that this variant may disrupt the consensus splice site. Advanced modeling of protein sequence and biophysical properties (such as structural, functional, and spatial information, amino acid conservation, physicochemical variation, residue mobility, and thermodynamic stability) performed at Invitae indicates that this missense variant is expected to disrupt SCN2A protein function. This variant has not been reported in the literature in individuals affected with SCN2A-related conditions. This variant is not present in population databases (gnomAD no frequency). This sequence change replaces glycine, which is neutral and non-polar, with arginine, which is basic and polar, at codon 1485 of the SCN2A protein (p.Gly1485Arg).